The following is an entry in ClinVar:

ClinVar aggregate classification (germline): Uncertain significance (1 of 4 stars; one submission).

Conditions:
Cenani-Lenz syndactyly syndrome. Also called: CENANI SYNDACTYLISM; SYNDACTYLY, TYPE VII. Identifiers: Orphanet 3258, MedGen C1859309, MONDO:0008931, OMIM 212780.
Sclerosteosis 2 (SOST2). Identifiers: Orphanet 3152, MedGen C3280402, MONDO:0013679, OMIM 614305.
Congenital myasthenic syndrome 17. Identifiers: Orphanet 590, MedGen C4225377, MONDO:0014578, OMIM 616304.

Submission:

Labcorp Genetics (formerly Invitae), Labcorp
Classification: Uncertain significance for Cenani-Lenz syndactyly syndrome; Sclerosteosis 2; Congenital myasthenic syndrome 17. Last evaluated: 2025-07-07. Review status: criteria provided, single submitter. Criteria: Invitae Variant Classification Sherloc (09022015). Collection method: clinical testing. Allele origin: germline.
Comment: This sequence change replaces glycine, which is neutral and non-polar, with arginine, which is basic and polar, at codon 542 of the LRP4 protein (p.Gly542Arg). Information on the frequency of this variant in the gnomAD database is not available, as this variant may be reported differently in the database. This variant has not been reported in the literature in individuals affected with LRP4-related conditions. ClinVar contains an entry for this variant (Variation ID: 2100835). Experimental studies and prediction algorithms are not available or were not evaluated, and the functional significance of this variant is currently unknown. In summary, the available evidence is currently insufficient to determine the role of this variant in disease. Therefore, it has been classified as a Variant of Uncertain Significance.

NM_002334.4(LRP4):c.1623_1624inv (p.Gly542Arg)

Gene: LRP4 (LDL receptor related protein 4; minus strand). Cytogenetic location: 11p11.2.
Variant type: Inversion.
Coding change: c.1623_1624inv on transcript NM_002334.4 (MANE Select).
Protein change: p.Gly542Arg; replaces glycine 542 with arginine.
Molecular consequence: missense variant.
Genome position: GRCh38 VCF-style: chr11-46893046-CA-TG. GRCh37 (hg19) VCF-style: chr11-46914597-CA-TG.
Other names: short protein forms G542R.
Identifiers: ClinVar variation 2100835 (VCV002100835.4), ClinGen allele CA2580084153.